The following is an entry in ClinVar:

ClinVar aggregate classification (germline): Likely pathogenic. Review status: criteria provided, multiple submitters, no conflicts (2 of 4 stars). 2 submissions from 2 submitters: Likely pathogenic (2). Last evaluated 2026-01-13.

Conditions:
Hereditary spherocytosis type 1. Also called: Spherocytosis type 1; ANK1-Related Spherocytosis. Identifiers: Orphanet 822, MedGen C2674218, MONDO:0008447, OMIM 182900.
ANK1-related disorder. Also called: ANK1-related condition.

Submissions (2):

PreventionGenetics, part of Exact Sciences
Classification: Likely pathogenic for ANK1-related condition. Last evaluated: 2026-01-13. Review status: criteria provided, single submitter. Criteria: ACMG Guidelines, 2015. Collection method: clinical testing. Allele origin: germline.
Comment: The ANK1 c.65C>G variant is predicted to result in premature protein termination (p.Ser22*). To our knowledge, this variant has not been reported in the literature or in a large population database (gnomAD), indicating this variant is rare. Nonsense variants in ANK1 are expected to be pathogenic. This variant is interpreted as likely pathogenic.

Revvity Omics, Revvity
Classification: Likely pathogenic for Hereditary spherocytosis type 1. Last evaluated: 2023-09-24. Review status: criteria provided, single submitter. Criteria: ACMG Guidelines, 2015. Collection method: clinical testing. Allele origin: germline.

NM_000037.4(ANK1):c.65C>G (p.Ser22Ter)

Gene: ANK1 (ankyrin 1; minus strand). Cytogenetic location: 8p11.21.
Variant type: single nucleotide variant.
Coding change: c.65C>G on transcript NM_000037.4 (MANE Select); coding-DNA position 65, C replaced by G.
Protein change: p.Ser22Ter; replaces serine 22 with a stop codon.
Molecular consequence: nonsense.
Genome position (GRCh38, 1-based): chr8:41,758,100, G>C on the plus strand (C>G on the coding strand, the complement: ANK1 is on the minus strand). VCF-style: chr8-41758100-G-C. GRCh37 (hg19) VCF-style: chr8-41615618-G-C.
Other names: c.65C>G (NM_020476.2); c.164C>G, p.Ser55Ter (NM_001142446.2); c.65C>G, p.Ser22Ter (NM_020475.3, NM_020476.3, NM_020477.3); short protein forms S22*, S55*.
Identifiers: ClinVar variation 4081154 (VCV004081154.2).